The following is an entry in ClinVar:

NM_000326.5(RLBP1):c.780_794del (p.Ser260_Glu264del)

Gene: RLBP1 (retinaldehyde binding protein 1; minus strand). Cytogenetic location: 15q26.1.
Variant type: Deletion.
Coding change: c.780_794del on transcript NM_000326.5 (MANE Select); coding-DNA positions 780 to 794, 15 bases deleted (CAAGCTGCTTGAGAG).
Protein change: p.Ser260_Glu264del.
Molecular consequence: inframe deletion.
Genome position (GRCh38, 1-based): chr15:89,210,700-89,210,714, CTCTCAAGCAGCTTG deleted on the plus strand (CAAGCTGCTTGAGAG on the coding strand, the reverse complement: RLBP1 is on the minus strand); deleting any 15 consecutive bases within chr15:89,210,700-89,210,718 gives the same sequence; the c. name uses the placement nearest the transcript's 3' end. VCF-style (leftmost placement, unchanged base first): chr15-89210699-CCTCTCAAGCAGCTTG-C. GRCh37 (hg19) VCF-style: chr15-89753930-CCTCTCAAGCAGCTTG-C.
Identifiers: ClinVar variation 1698515 (VCV001698515.1), dbSNP rs2150968673, ClinGen allele CA2580090144.
Genomic context (GRCh38, chr15:89,210,699, plus strand): 5'-TCAGGTGAGGCCCCACCCTCAGCCCTCTTGTCTCATTGTCTGGGCGGCCCACGTACTCAC[CCTCTCAAGCAGCTTG>C]CTCTTCAAGAAGGGCTTGACCACATTGTAGGTCGTGGTGAAGTACCATGGCTGGTGGATG-3'

ClinVar aggregate classification (germline): Uncertain significance (1 of 4 stars; one submission).

Submission:

Women's Health and Genetics/Laboratory Corporation of America, LabCorp
Classification: Uncertain significance. Last evaluated: 2022-06-08. Review status: criteria provided, single submitter. Criteria: LabCorp Variant Classification Summary - May 2015. Collection method: clinical testing. Allele origin: germline.
Comment: Variant summary: RLBP1 c.780_794del15 (p.Ser260_Glu264del) results in an in-frame deletion that is predicted to remove five amino acids from the encoded protein. The variant was absent in 217676 control chromosomes. To our knowledge, no occurrence of c.780_794del15 in individuals affected with Retinitis Pigmentosa and no experimental evidence demonstrating its impact on protein function have been reported. No clinical diagnostic laboratories have submitted clinical-significance assessments for this variant to ClinVar after 2014. Based on the evidence outlined above, the variant was classified as VUS.